The following is an entry in ClinVar:

ClinVar aggregate classification (germline): Benign; risk factor. Review status: no assertion criteria provided (0 of 4 stars). 2 submissions from 2 submitters: Benign (1). Last evaluated 2019-06-27.

Conditions:
LOXL1-related disorder. Also called: LOXL1-related condition.
Exfoliation syndrome, susceptibility to. Identifiers: MedGen C4016255, MONDO:0100046.

Allele frequency attached by ClinVar (database versions not stated): ExAC 0.18494; gnomAD 0.21906; TOPMed 0.22708; 1000 Genomes Project 0.24760; 1000 Genomes Project 30x 0.24797.
gnomAD v4.1: 273,882 of 1,597,506 alleles (17%); highest among the groups gnomAD compares: African/African-American, 38%; 25,880 homozygotes.

Submissions (2):

PreventionGenetics, part of Exact Sciences
Classification: Benign for LOXL1-related condition. Last evaluated: 2019-06-27. Review status: no assertion criteria provided. Collection method: clinical testing. Allele origin: germline.
Comment: This variant is classified as benign based on ACMG/AMP sequence variant interpretation guidelines (Richards et al. 2015 PMID: 25741868, with internal and published modifications).

OMIM
Classification: risk factor for EXFOLIATION SYNDROME, SUSCEPTIBILITY TO. Last evaluated: 2009-05-01. Review status: no assertion criteria provided. Collection method: literature only. Allele origin: germline.

Literature cited by the submitters: PubMed 17690259 (cited by OMIM); PubMed 18037624 (cited by OMIM); PubMed 19343041 (cited by OMIM).

NM_005576.4(LOXL1):c.458G>A (p.Gly153Asp)

Genes: LOXL1 (lysyl oxidase like 1; plus strand), LOXL1-AS1 (LOXL1 antisense RNA 1; minus strand). Cytogenetic location: 15q24.1.
Variant type: single nucleotide variant.
Coding change: c.458G>A on transcript NM_005576.4 (MANE Select); coding-DNA position 458, G replaced by A.
Protein change: p.Gly153Asp; replaces glycine 153 with aspartic acid.
Molecular consequence: missense variant.
Genome position (GRCh38, 1-based): chr15:73,927,241, G>A. VCF-style: chr15-73927241-G-A. GRCh37 (hg19) VCF-style: chr15-74219582-G-A.
Other names: c.458G>A (NM_005576.3); short protein forms G153D.
Identifiers: ClinVar variation 14361 (VCV000014361.3), dbSNP rs3825942, ClinGen allele CA123897.
Genomic context (GRCh38, chr15:73,927,241, plus strand): 5'-TCGGGGACAGCACGGGCATGGCCCGGGCCCGCACCTCCGTCTCCCAGCAACGGCACGGGG[G>A]CTCCGCCTCCTCGGTCTCGGCTTCGGCCTTCGCCAGCACCTACCGCCAGCAGCCCTCCTA-3'
Protein context (NP_005567.2, residues 143-163): RTSVSQQRHG[Gly153Asp]SASSVSASAF